The following is an entry in ClinVar:

NM_032856.5(WDR73):c.336G>A (p.Gln112=)

Gene: WDR73 (WD repeat domain 73; minus strand). Cytogenetic location: 15q25.2.
Variant type: single nucleotide variant.
Coding change: c.336G>A on transcript NM_032856.5 (MANE Select); coding-DNA position 336, G replaced by A.
Protein change: p.Gln112=; no amino-acid change (glutamine 112 retained).
Molecular consequence: synonymous variant. On other transcripts: non-coding transcript variant (4).
Genome position (GRCh38, 1-based): chr15:84,647,906, C>T on the plus strand (G>A on the coding strand, the complement: WDR73 is on the minus strand). VCF-style: chr15-84647906-C-T. GRCh37 (hg19) VCF-style: chr15-85191137-C-T.
Other names: p.Gln112=; c.336G>A (NM_032856.4).
Identifiers: ClinVar variation 770626 (VCV000770626.15), dbSNP rs73449331, ClinGen allele CA7707436.

ClinVar aggregate classification (germline): Benign/Likely benign. Review status: criteria provided, multiple submitters, no conflicts (2 of 4 stars). 5 submissions from 5 submitters: Benign (2); Likely benign (3). Last evaluated 2026-01-28.

Conditions:
Galloway-Mowat syndrome 1 (GAMOS1). Identifiers: Orphanet 2065, Orphanet 83472, MedGen C4551772, MONDO:0033005, OMIM 251300.

Allele frequency attached by ClinVar (database versions not stated): gnomAD exomes 0.00097 and 0.00226; gnomAD 0.00904 and 0.00970; 1000 Genomes Project 30x 0.01280; ESP Exome Variant Server 0.01053; 1000 Genomes Project 0.01318; ExAC 0.00279; TOPMed 0.01026.
gnomAD v4.1: 2,868 of 1,613,996 alleles (0.18%); highest among the groups gnomAD compares: African/African-American, 3.3%; 39 homozygotes.

Submissions (5):

Labcorp Genetics (formerly Invitae), Labcorp
Classification: Benign. Last evaluated: 2026-01-28. Review status: criteria provided, single submitter. Criteria: Invitae Variant Classification Sherloc (09022015). Collection method: clinical testing. Allele origin: germline.

Mayo Clinic Laboratories, Mayo Clinic
Classification: Benign. Last evaluated: 2024-02-15. Review status: criteria provided, single submitter. Criteria: ACMG Guidelines, 2015. Collection method: clinical testing. Allele origin: germline. Observed: 6 variant alleles.
Comment: BS1, BS2, BP4, BP7

Fulgent Genetics
Classification: Likely benign for Galloway-Mowat syndrome 1. Last evaluated: 2021-07-26. Review status: criteria provided, single submitter. Criteria: ACMG Guidelines, 2015. Collection method: clinical testing. Allele origin: unknown.

GeneDx
Classification: Likely benign. Last evaluated: 2021-05-16. Review status: criteria provided, single submitter. Criteria: GeneDx Variant Classification Process June 2021. Collection method: clinical testing. Allele origin: germline. Affected: yes.

Breakthrough Genomics
Classification: Likely benign. Review status: criteria provided, single submitter. Criteria: ACMG Guidelines, 2015. Collection method: not provided. Allele origin: germline. Inheritance: Autosomal recessive inheritance. Affected: yes.